The following is an entry in ClinVar:

ClinVar aggregate classification (germline): Pathogenic (1 of 4 stars; one submission).

Conditions:
Progressive myoclonic epilepsy type 3. Also called: EPILEPSY, PROGRESSIVE MYOCLONIC, 3, WITHOUT INTRACELLULAR INCLUSIONS; KCTD7-Related Progressive Myoclonic Epilepsy; EPILEPSY, PROGRESSIVE MYOCLONIC, 3, WITH OR WITHOUT INTRACELLULAR INCLUSIONS; CEROID LIPOFUSCINOSIS, NEURONAL, 14. Identifiers: Orphanet 263516, MedGen C2673257, MONDO:0012721, OMIM 611726.

Submission:

Labcorp Genetics (formerly Invitae), Labcorp
Classification: Pathogenic for Progressive myoclonic epilepsy type 3. Last evaluated: 2025-11-23. Review status: criteria provided, single submitter. Criteria: Invitae Variant Classification Sherloc (09022015). Collection method: clinical testing. Allele origin: germline.
Comment: This sequence change creates a premature translational stop signal (p.Leu44Profs*8) in the KCTD7 gene. It is expected to result in an absent or disrupted protein product. Loss-of-function variants in KCTD7 are known to be pathogenic (PMID: 22693283). This variant is not present in population databases (gnomAD no frequency). This variant has not been reported in the literature in individuals affected with KCTD7-related conditions. ClinVar contains an entry for this variant (Variation ID: 2722390). For these reasons, this variant has been classified as Pathogenic.

Literature cited by the submitters: PubMed 22693283.

NM_153033.5(KCTD7):c.130dup (p.Leu44fs)

Genes: KCTD7 (potassium channel tetramerization domain containing 7; plus strand), LOC129998533 (ATAC-STARR-seq lymphoblastoid silent region 18210; plus strand). Cytogenetic location: 7q11.21.
Variant type: Duplication.
Coding change: c.130dup on transcript NM_153033.5 (MANE Select); coding-DNA position 130, one base duplicated (C; older notation c.130dupC).
Protein change: p.Leu44fs; shifts the reading frame from leucine 44.
Molecular consequence: frameshift variant.
Genome position (GRCh38, 1-based): chr7:66,629,194, C duplicated; the last of 4 consecutive C bases (chr7:66,629,191-66,629,194); duplicating any one gives the same sequence. VCF-style (leftmost placement, unchanged base first): chr7-66629190-G-GC. GRCh37 (hg19) VCF-style: chr7-66094177-G-GC.
Other names: c.130dup, p.Leu44fs (NM_001167961.2); short protein forms L44fs.
Identifiers: ClinVar variation 2722390 (VCV002722390.3), dbSNP rs2535233194, ClinGen allele CA2697557305.